The following is an entry in ClinVar:

ClinVar aggregate classification (germline): Uncertain significance (1 of 4 stars; one submission).

gnomAD v4.1: 16 of 1,611,076 alleles (0.00099%); highest among the groups gnomAD compares: Admixed American, 0.025%; no homozygotes.

Submission:

CeGaT Center for Human Genetics Tuebingen
Classification: Uncertain significance. Last evaluated: 2025-12-01. Review status: criteria provided, single submitter. Criteria: CeGaT Center For Human Genetics Tuebingen Variant Classification Criteria Version 2. Collection method: clinical testing. Allele origin: germline. Affected: yes. Observed: 1 variant allele.
Comment: COL25A1: PM2, BP4

NM_198721.4(COL25A1):c.564+6G>A

Gene: COL25A1 (collagen type XXV alpha 1 chain; minus strand). Cytogenetic location: 4q25.
Variant type: single nucleotide variant.
Coding change: c.564+6G>A on transcript NM_198721.4 (MANE Select); 6 bases into the intron after coding-DNA position 564, G replaced by A.
Molecular consequence: intron variant.
Genome position (GRCh38, 1-based): chr4:108,941,360, C>T on the plus strand (G>A on the coding strand, the complement: COL25A1 is on the minus strand). VCF-style: chr4-108941360-C-T. GRCh37 (hg19) VCF-style: chr4-109862516-C-T.
Other names: c.564+6G>A (NM_032518.4); c.553-714G>A (NM_001256074.3).
Identifiers: ClinVar variation 4682013 (VCV004682013.5).